The following is an entry in ClinVar:

NM_004928.3(CFAP410):c.384G>C (p.Glu128Asp)

Gene: CFAP410 (cilia and flagella associated protein 410; minus strand). Cytogenetic location: 21q22.3.
Variant type: single nucleotide variant.
Coding change: c.384G>C on transcript NM_004928.3 (MANE Select); coding-DNA position 384, G replaced by C.
Protein change: p.Glu128Asp; replaces glutamic acid 128 with aspartic acid.
Molecular consequence: missense variant.
Genome position (GRCh38, 1-based): chr21:44,332,004, C>G on the plus strand (G>C on the coding strand, the complement: CFAP410 is on the minus strand). VCF-style: chr21-44332004-C-G. GRCh37 (hg19) VCF-style: chr21-45751887-C-G.
Other names: c.384G>C, p.Glu128Asp (NM_001271440.2, NM_001271441.2); c.261G>C, p.Glu87Asp (NM_001271442.1); short protein forms E87D, E128D.
Identifiers: ClinVar variation 1468033 (VCV001468033.7), dbSNP rs747669435, ClinGen allele CA10053688.

ClinVar aggregate classification (germline): Uncertain significance. Review status: criteria provided, multiple submitters, no conflicts (2 of 4 stars). 2 submissions from 2 submitters: Uncertain significance (2). Last evaluated 2025-10-13.

Allele frequency attached by ClinVar (database versions not stated): ExAC 0.00001; gnomAD exomes 0.00001 and 0.00003; TOPMed 0.00001; gnomAD 0.00002.
gnomAD v4.1: 42 of 1,600,700 alleles (0.0026%); highest among the groups gnomAD compares: Non-Finnish European, 0.0035%; no homozygotes.

Submissions (2):

Labcorp Genetics (formerly Invitae), Labcorp
Classification: Uncertain significance. Last evaluated: 2025-10-13. Review status: criteria provided, single submitter. Criteria: Invitae Variant Classification Sherloc (09022015). Collection method: clinical testing. Allele origin: germline.
Comment: This sequence change replaces glutamic acid, which is acidic and polar, with aspartic acid, which is acidic and polar, at codon 128 of the CFAP410 protein (p.Glu128Asp). This variant is present in population databases (rs747669435, gnomAD 0.003%). This variant has not been reported in the literature in individuals affected with CFAP410-related conditions. ClinVar contains an entry for this variant (Variation ID: 1468033). Invitae Evidence Modeling of protein sequence and biophysical properties (such as structural, functional, and spatial information, amino acid conservation, physicochemical variation, residue mobility, and thermodynamic stability) indicates that this missense variant is not expected to disrupt CFAP410 protein function with a negative predictive value of 80%. In summary, the available evidence is currently insufficient to determine the role of this variant in disease. Therefore, it has been classified as a Variant of Uncertain Significance.

Blueprint Genetics
Classification: Uncertain significance. Last evaluated: 2021-02-24. Review status: criteria provided, single submitter. Criteria: ACMG Guidelines, 2015. Collection method: clinical testing. Allele origin: germline.